The following is an entry in ClinVar:

NM_001367721.1(CASK):c.533-2A>G

Gene: CASK (calcium/calmodulin dependent serine protein kinase; minus strand). Cytogenetic location: Xp11.4.
Variant type: single nucleotide variant.
Coding change: c.533-2A>G on transcript NM_001367721.1 (MANE Select); the canonical splice acceptor site of the intron before coding-DNA position 533, A replaced by G.
Molecular consequence: splice acceptor variant.
Genome position (GRCh38, 1-based): chrX:41,665,454, T>C on the plus strand (A>G on the coding strand, the complement: CASK is on the minus strand). VCF-style: chrX-41665454-T-C. GRCh37 (hg19) VCF-style: chrX-41524707-T-C.
Other names: c.533-2A>G (NM_001126055.3, NM_001410745.1, NM_001126054.3 and 1 more transcripts).
Identifiers: ClinVar variation 632601 (VCV000632601.4), dbSNP rs1569380062, ClinGen allele CA412998553.

ClinVar aggregate classification (germline): Pathogenic. Review status: criteria provided, single submitter (1 of 4 stars). 3 submissions from 3 submitters: Pathogenic (1). 2 of the submissions do not count toward it. Last evaluated 2023-09-01.

Conditions:
Isolated cerebellar hypoplasia/agenesis (CHEGDD). Also called: Cerebellar hypoplasia/atrophy, epilepsy, and global developmental delay. Identifiers: Orphanet 1398, Orphanet 2246, MedGen C5231391, MONDO:0008939, OMIM 213000.
Syndromic X-linked intellectual disability Najm type (MICPCH). Also called: MICPCH SYNDROME; Intellectual developmental disorder and microcephaly with pontine and cerebellar hypoplasia; Intellectual Disability and Microcephaly with Pontine and Cerebellar Hypoplasia (MICPCH); Intellectual Disability and Microcephaly with Pontine and Cerebellar Hypoplasia; Mental retardation and microcephaly with pontine and cerebellar hypoplasia; MENTAL RETARDATION, X-LINKED, SYNDROMIC, NAJM TYPE. Identifiers: Orphanet 163937, MedGen C2677903, MONDO:0010417, OMIM 300749.

Submissions (3):

GeneDx
Classification: Pathogenic. Last evaluated: 2023-09-01. Review status: criteria provided, single submitter. Criteria: GeneDx Variant Classification Process June 2021. Collection method: clinical testing. Allele origin: germline. Affected: yes.
Comment: Not observed at significant frequency in large population cohorts (gnomAD); Canonical splice site variant predicted to result in a null allele in a gene for which loss of function is a known mechanism of disease; This variant is associated with the following publications: (PMID: 31474318)

Dobyns Lab, Seattle Children's Research Institute
Classification: Pathogenic for Mental retardation and microcephaly with pontine and cerebellar hypoplasia. Last evaluated: 2019-02-18. Review status: no assertion criteria provided. Collection method: research. Allele origin: germline. Affected: yes. Observed: 1 variant allele. Not counted in ClinVar's aggregate classification.

University of Washington Center for Mendelian Genomics, University of Washington
Classification: Likely pathogenic for Cerebellar hypoplasia. Review status: no assertion criteria provided. Collection method: research. Allele origin: de novo. Affected: yes. Not counted in ClinVar's aggregate classification.

Literature cited by the submitters: PubMed 31474318 (cited by University of Washington Center for Mendelian Genomics, University of Washington).